The following is an entry in ClinVar:

ClinVar aggregate classification (germline): Uncertain significance. Review status: criteria provided, multiple submitters, no conflicts (2 of 4 stars). 4 submissions from 4 submitters: Uncertain significance (4). Last evaluated 2025-08-09.

Conditions:
Epidermolysis bullosa simplex with nail dystrophy (EBS5D). Identifiers: MedGen C4225309, MONDO:0014661, OMIM 616487.
Epidermolysis bullosa simplex, Ogna type (EBS5A). Also called: EPIDERMOLYSIS BULLOSA SIMPLEX 5A, OGNA TYPE; Pidermolysis bullosa simplex 5A, Ogna type. Identifiers: Orphanet 79401, MedGen C0432317, MONDO:0007555, OMIM 131950.
Epidermolysis bullosa simplex 5C, with pyloric atresia (EBS5C). Also called: PLEC1-Related Epidermolysis Bullosa with Pyloric Atresia; PLEC-Related Epidermolysis Bullosa with Pyloric Atresia; Epidermolysis bullosa simplex with pyloric atresia. Identifiers: Orphanet 158684, MedGen C2677349, MONDO:0012807, OMIM 612138.
Autosomal recessive limb-girdle muscular dystrophy type 2Q (LGMDR17). Also called: MUSCULAR DYSTROPHY, LIMB-GIRDLE, AUTOSOMAL RECESSIVE 17. Identifiers: Orphanet 254361, MedGen C3150989, MONDO:0013390, OMIM 613723.
Epidermolysis bullosa simplex 5B, with muscular dystrophy (EBS5B). Also called: EPIDERMOLYSIS BULLOSA SIMPLEX AND LIMB-GIRDLE MUSCULAR DYSTROPHY; Epidermolysis bullosa simplex with muscular dystrophy. Identifiers: Orphanet 257, MedGen C2931072, MONDO:0009181, OMIM 226670.
Inborn genetic diseases. Identifiers: MedGen C0950123, MeSH D030342.

Allele frequency attached by ClinVar (database versions not stated): gnomAD 0.00002; TOPMed 0.00004; ExAC 0.00008; ESP Exome Variant Server 0.00008.
gnomAD v4.1: 61 of 1,613,578 alleles (0.0038%); highest among the groups gnomAD compares: Non-Finnish European, 0.0045%; no homozygotes.

Submissions (4):

Ambry Genetics
Classification: Uncertain significance for Inborn genetic diseases. Last evaluated: 2025-08-09. Review status: criteria provided, single submitter. Criteria: Ambry Variant Classification Scheme 2023. Collection method: clinical testing. Allele origin: germline.

Fulgent Genetics
Classification: Uncertain significance for Epidermolysis bullosa simplex, Ogna type; Epidermolysis bullosa simplex 5B, with muscular dystrophy; Epidermolysis bullosa simplex 5C, with pyloric atresia; Autosomal recessive limb-girdle muscular dystrophy type 2Q; Epidermolysis bullosa simplex with nail dystrophy. Last evaluated: 2024-05-28. Review status: criteria provided, single submitter. Criteria: ACMG Guidelines, 2015. Collection method: clinical testing. Allele origin: germline.

Labcorp Genetics (formerly Invitae), Labcorp
Classification: Uncertain significance for Autosomal recessive limb-girdle muscular dystrophy type 2Q; Epidermolysis bullosa simplex, Ogna type; Epidermolysis bullosa simplex with nail dystrophy; Epidermolysis bullosa simplex 5C, with pyloric atresia; Epidermolysis bullosa simplex 5B, with muscular dystrophy. Last evaluated: 2024-01-26. Review status: criteria provided, single submitter. Criteria: Invitae Variant Classification Sherloc (09022015). Collection method: clinical testing. Allele origin: germline.
Comment: This sequence change replaces valine, which is neutral and non-polar, with methionine, which is neutral and non-polar, at codon 4090 of the PLEC protein (p.Val4090Met). This variant is present in population databases (rs201051109, gnomAD 0.01%). This variant has not been reported in the literature in individuals affected with PLEC-related conditions. Advanced modeling of protein sequence and biophysical properties (such as structural, functional, and spatial information, amino acid conservation, physicochemical variation, residue mobility, and thermodynamic stability) performed at Invitae indicates that this missense variant is not expected to disrupt PLEC protein function with a negative predictive value of 80%. In summary, the available evidence is currently insufficient to determine the role of this variant in disease. Therefore, it has been classified as a Variant of Uncertain Significance.

Revvity Omics, Revvity
Classification: Uncertain significance. Last evaluated: 2023-09-04. Review status: criteria provided, single submitter. Criteria: ACMG Guidelines, 2015. Collection method: clinical testing. Allele origin: germline.

NM_201384.3(PLEC):c.12187G>A (p.Val4063Met)

Gene: PLEC (plectin; minus strand). Cytogenetic location: 8q24.3.
Variant type: single nucleotide variant.
Coding change: c.12187G>A on transcript NM_201384.3 (MANE Select); coding-DNA position 12187, G replaced by A.
Protein change: p.Val4063Met; replaces valine 4063 with methionine.
Molecular consequence: missense variant.
Genome position (GRCh38, 1-based): chr8:143,917,634, C>T on the plus strand (G>A on the coding strand, the complement: PLEC is on the minus strand). VCF-style: chr8-143917634-C-T. GRCh37 (hg19) VCF-style: chr8-144991802-C-T.
Other names: c.12268G>A, p.Val4090Met (NM_000445.5); c.8887G>A, p.Val2963Met (NM_001410941.1); c.12145G>A, p.Val4049Met (NM_201378.4); c.12121G>A, p.Val4041Met (NM_201379.3); c.12598G>A, p.Val4200Met (NM_201380.4); c.12091G>A, p.Val4031Met (NM_201381.3); c.12187G>A, p.Val4063Met (NM_201382.4); c.12199G>A, p.Val4067Met (NM_201383.3); and 1 more; short protein forms V4041M, V4049M, V4031M, V4090M, V2963M, V4063M, V4067M, V4200M.
Identifiers: ClinVar variation 2923353 (VCV002923353.5), dbSNP rs201051109, ClinGen allele CA4924160.